The following is an entry in ClinVar:

ClinVar aggregate classification (germline): Conflicting classifications of pathogenicity. Review status: criteria provided, conflicting classifications (1 of 4 stars). 5 submissions from 5 submitters: Pathogenic (2); Likely pathogenic (2); Uncertain significance (1). Last evaluated 2025-04-30.

Conditions:
Autosomal recessive polycystic kidney disease (ARPKD). Also called: AR polycystic kidney disease. Identifiers: Orphanet 731, Orphanet 8378, MedGen C0085548, MeSH D017044, MONDO:0009889.
Polycystic kidney disease 4 (PKD4). Also called: POLYCYSTIC KIDNEY AND HEPATIC DISEASE 1; POLYCYSTIC KIDNEY DISEASE, INFANTILE, TYPE I; POLYCYSTIC KIDNEY DISEASE 4 WITH OR WITHOUT POLYCYSTIC LIVER DISEASE; PKD3; Autosomal Recessive Polycystic Kidney Disease – PKHD1. Identifiers: MedGen C4540575, MONDO:0033004, OMIM 263200.

Submissions (5):

Natera, Inc.
Classification: Likely pathogenic for Autosomal recessive polycystic kidney disease. Last evaluated: 2025-04-30. Review status: criteria provided, single submitter. Criteria: Natera Variant Classification Schema (03/2026). Collection method: clinical testing. Allele origin: germline.
Comment: The c.880+1G>A variant in PKHD1 is a canonical splice donor site variant predicted to affect pre-mRNA splicing, which may result in an abnormal transcript and altered protein product. This variant may result in a truncated or dysfunctional protein product. This variant is rare in the general population with a frequency below the threshold expected for the associated phenotype(s). This variant has been observed in one or more individuals affected with the associated recessive disease, as either homozygous or compound heterozygous with a second variant (PMID: 33282801). Given the available evidence, this variant is classified as Likely Pathogenic.

Baylor Genetics
Classification: Pathogenic for Polycystic kidney disease 4. Last evaluated: 2024-01-01. Review status: criteria provided, single submitter. Criteria: ACMG Guidelines, 2015. Collection method: clinical testing. Allele origin: unknown.

Labcorp Genetics (formerly Invitae), Labcorp
Classification: Likely pathogenic for Autosomal recessive polycystic kidney disease. Last evaluated: 2022-03-24. Review status: criteria provided, single submitter. Criteria: Invitae Variant Classification Sherloc (09022015). Collection method: clinical testing. Allele origin: germline.
Comment: This sequence change affects a donor splice site in intron 12 of the PKHD1 gene. It is expected to disrupt RNA splicing. Variants that disrupt the donor or acceptor splice site typically lead to a loss of protein function (PMID: 16199547), and loss-of-function variants in PKHD1 are known to be pathogenic (PMID: 19940839). This variant is not present in population databases (gnomAD no frequency). Disruption of this splice site has been observed in individual(s) with polycystic kidney disease (PMID: 28375157). ClinVar contains an entry for this variant (Variation ID: 978787). Algorithms developed to predict the effect of sequence changes on RNA splicing suggest that this variant may disrupt the consensus splice site. In summary, the currently available evidence indicates that the variant is pathogenic, but additional data are needed to prove that conclusively. Therefore, this variant has been classified as Likely Pathogenic.

Laboratory of Molecular Genetics, Children's Memorial Health Institute
Classification: Pathogenic for Polycystic kidney disease 4. Last evaluated: 2020-09-25. Review status: criteria provided, single submitter. Criteria: ACMG Guidelines, 2015. Collection method: clinical testing. Allele origin: unknown. Inheritance: Autosomal recessive inheritance. Affected: yes. Observed: 1 compound heterozygote.

Juno Genomics, Hangzhou Juno Genomics, Inc
Classification: Uncertain significance for Polycystic kidney disease 4. Review status: criteria provided, single submitter. Criteria: ACMG Guidelines, 2015. Collection method: clinical testing. Allele origin: germline.
Comment: Absent from controls (or at extremely low frequency if recessive) in Genome Aggregation Database.;Null variant in a gene where loss of function (LOF) is a known mechanism of disease.;For recessive disorders, detected in trans with a pathogenic variant.;Patient's phenotype or family history is highly specific for a disease with a single genetic etiology.

Literature cited by the submitters: PubMed 33282801 (cited by Natera, Inc.); PubMed 16199547 (cited by Labcorp Genetics (formerly Invitae), Labcorp); PubMed 19940839 (cited by Labcorp Genetics (formerly Invitae), Labcorp); PubMed 28375157 (cited by Labcorp Genetics (formerly Invitae), Labcorp).

NM_138694.4(PKHD1):c.880+1G>A

Gene: PKHD1 (PKHD1 ciliary IPT domain containing fibrocystin/polyductin; minus strand). Cytogenetic location: 6p12.2.
Variant type: single nucleotide variant.
Coding change: c.880+1G>A on transcript NM_138694.4 (MANE Select); the canonical splice donor site of the intron after coding-DNA position 880, G replaced by A.
Molecular consequence: splice donor variant.
Genome position (GRCh38, 1-based): chr6:52,065,975, C>T on the plus strand (G>A on the coding strand, the complement: PKHD1 is on the minus strand). VCF-style: chr6-52065975-C-T. GRCh37 (hg19) VCF-style: chr6-51930773-C-T.
Other names: c.880+1G>A (NM_170724.3).
Identifiers: ClinVar variation 978787 (VCV000978787.11), dbSNP rs1582064292, ClinGen allele CA364430752.